The following is an entry in ClinVar:

NC_000001.10:g.(216373464_216380614)_(216380774_216390728)del

Gene: USH2A (usherin; minus strand). Cytogenetic location: 1q41.
Variant type: Deletion.
Identifiers: ClinVar variation 2445947 (VCV002445947.1).

ClinVar aggregate classification (germline): Likely pathogenic (1 of 4 stars; one submission).

Conditions:
Usher syndrome. Also called: Usher Syndromes; Usher's syndrome. Identifiers: Orphanet 886, MedGen CN469326, MeSH D052245, MONDO:0019501. Disease mechanism: loss of function.

Submission:

Women's Health and Genetics/Laboratory Corporation of America, LabCorp
Classification: Likely pathogenic for Retinitis pigmentosa-deafness syndrome. Last evaluated: 2023-02-22. Review status: criteria provided, single submitter. Criteria: LabCorp Variant Classification Summary - May 2015. Collection method: clinical testing. Allele origin: germline.
Comment: Variant summary: The variant identified by MLPA or other technology involves the deletion of exon 16 in the USH2A gene. A presumed nomenclature of c.(3157+1_3158-1)_(3316+1_3317-1)del has been designated for the purposes of this classification. Although exact breakpoints of this CNV are not known, it is expected to result in a large in-frame deletion in the USH2A gene, a known mechanism of disease. The variant was absent in 21694 control chromosomes. To our knowledge, no occurrence of c.(3157+1_3158-1)_(3316+1_3317-1)del in individuals affected with Usher Syndrome and no experimental evidence demonstrating its impact on protein function have been reported. No clinical diagnostic laboratories have submitted clinical-significance assessments for this variant to ClinVar after 2014. Based on the evidence outlined above, the variant was classified as likely pathogenic.